The following is an entry in ClinVar:

ClinVar aggregate classification (germline): Likely benign. Review status: criteria provided, multiple submitters, no conflicts (2 of 4 stars). 3 submissions from 3 submitters: Likely benign (2). 1 of the submissions does not count toward it. Last evaluated 2018-05-14.

Conditions:
RAB11FIP5-related disorder. Also called: RAB11FIP5-related condition.

Allele frequency attached by ClinVar (database versions not stated): gnomAD exomes 0.00009 and 0.00023; ExAC 0.00034; ESP Exome Variant Server 0.00062; gnomAD 0.00072 and 0.00076; TOPMed 0.00076; 1000 Genomes Project 30x 0.00141; 1000 Genomes Project 0.00160.
gnomAD v4.1: 252 of 1,613,914 alleles (0.016%); highest among the groups gnomAD compares: African/African-American, 0.28%; no homozygotes.

Submissions (3):

Labcorp Genetics (formerly Invitae), Labcorp
Classification: Likely benign. Last evaluated: 2018-05-14. Review status: criteria provided, single submitter. Criteria: Invitae Variant Classification Sherloc (09022015). Collection method: clinical testing. Allele origin: germline.

Breakthrough Genomics
Classification: Likely benign. Review status: criteria provided, single submitter. Criteria: ACMG Guidelines, 2015. Collection method: not provided. Allele origin: germline. Inheritance: Unknown mechanism. Affected: yes.

PreventionGenetics, part of Exact Sciences
Classification: Likely benign for RAB11FIP5-related condition. Last evaluated: 2022-05-20. Review status: no assertion criteria provided. Collection method: clinical testing. Allele origin: germline. Not counted in ClinVar's aggregate classification.
Comment: This variant is classified as likely benign based on ACMG/AMP sequence variant interpretation guidelines (Richards et al. 2015 PMID: 25741868, with internal and published modifications).

NM_001371272.1(RAB11FIP5):c.1435C>T (p.Arg479Cys)

Gene: RAB11FIP5 (RAB11 family interacting protein 5; minus strand). Cytogenetic location: 2p13.2.
Variant type: single nucleotide variant.
Coding change: c.1435C>T on transcript NM_001371272.1 (MANE Select); coding-DNA position 1435, C replaced by T.
Protein change: p.Arg479Cys; replaces arginine 479 with cysteine.
Molecular consequence: missense variant.
Genome position (GRCh38, 1-based): chr2:73,088,183, G>A on the plus strand (C>T on the coding strand, the complement: RAB11FIP5 is on the minus strand). VCF-style: chr2-73088183-G-A. GRCh37 (hg19) VCF-style: chr2-73315311-G-A.
Other names: c.1435C>T, p.Arg479Cys (NM_015470.3); short protein forms R479C.
Identifiers: ClinVar variation 741946 (VCV000741946.6), dbSNP rs143156025, ClinGen allele CA1710014.